The following is an entry in ClinVar:

NM_001491.3(GCNT2):c.330G>A (p.Arg110=)

Gene: GCNT2 (glucosaminyl (N-acetyl) transferase 2 (I blood group); plus strand). Cytogenetic location: 6p24.3.
Variant type: single nucleotide variant.
Coding change: c.330G>A on transcript NM_001491.3 (MANE Plus Clinical); coding-DNA position 330, G replaced by A.
Protein change: p.Arg110=; no amino-acid change (arginine 110 retained).
Molecular consequence: synonymous variant. On other transcripts: intron variant (2).
Genome position (GRCh38, 1-based): chr6:10,556,753, G>A. VCF-style: chr6-10556753-G-A. GRCh37 (hg19) VCF-style: chr6-10556986-G-A.
Other names: c.925+26917G>A (NM_145649.5, NM_001374747.1).
Identifiers: ClinVar variation 354703 (VCV000354703.15), dbSNP rs35537333, ClinGen allele CA3631982.

ClinVar aggregate classification (germline): Benign. Review status: criteria provided, multiple submitters, no conflicts (2 of 4 stars). 3 submissions from 3 submitters: Benign (3). Last evaluated 2026-01-13.

Conditions:
Cataract 13 with adult I phenotype. Identifiers: Orphanet 91492, MedGen C3805373, MONDO:0007289, OMIM 116700.
Blood group, I system (Ii). Identifiers: MedGen C0020717, OMIM 110800.

Allele frequency attached by ClinVar (database versions not stated): 1000 Genomes Project 0.00819; 1000 Genomes Project 30x 0.00828; TOPMed 0.01503; ExAC 0.01612; gnomAD 0.01677 and 0.01705; gnomAD exomes 0.01694; ESP Exome Variant Server 0.01845.
gnomAD v4.1: 37,531 of 1,614,018 alleles (2.3%); highest among the groups gnomAD compares: Non-Finnish European, 2.7%; 519 homozygotes.

Submissions (3):

Labcorp Genetics (formerly Invitae), Labcorp
Classification: Benign for Cataract 13 with adult I phenotype. Last evaluated: 2026-01-13. Review status: criteria provided, single submitter. Criteria: Invitae Variant Classification Sherloc (09022015). Collection method: clinical testing. Allele origin: germline.

GeneDx
Classification: Benign. Last evaluated: 2019-03-29. Review status: criteria provided, single submitter. Criteria: GeneDx Variant Classification Process June 2021. Collection method: clinical testing. Allele origin: germline. Affected: yes.

Illumina Laboratory Services, Illumina
Classification: Benign for Blood group, I system. Last evaluated: 2018-01-12. Review status: criteria provided, single submitter. Criteria: ICSL Variant Classification Criteria 13 December 2019. Collection method: clinical testing. Allele origin: germline.
Comment: This variant was observed in the ICSL laboratory as part of a predisposition screen in an ostensibly healthy population. It had not been previously curated by ICSL or reported in the Human Gene Mutation Database (HGMD: prior to June 1st, 2018), and was therefore a candidate for classification through an automated scoring system. Utilizing variant allele frequency, disease prevalence and penetrance estimates, and inheritance mode, an automated score was calculated to assess if this variant is too frequent to cause the disease. Based on the score and internal cut-off values, a variant classified as benign is not then subjected to further curation. The score for this variant resulted in a classification of benign for this disease.